The following is an entry in ClinVar:

NM_004727.3(SLC24A1):c.1945-2A>G

Gene: SLC24A1 (solute carrier family 24 member 1; plus strand). Cytogenetic location: 15q22.31.
Variant type: single nucleotide variant.
Coding change: c.1945-2A>G on transcript NM_004727.3 (MANE Select); the canonical splice acceptor site of the intron before coding-DNA position 1945, A replaced by G.
Molecular consequence: splice acceptor variant. On other transcripts: intron variant (1).
Genome position (GRCh38, 1-based): chr15:65,639,593, A>G. VCF-style: chr15-65639593-A-G. GRCh37 (hg19) VCF-style: chr15-65931931-A-G.
Other names: c.1891-2A>G (NM_001301033.2, NM_001301032.1); c.1891-10789A>G (NM_001411142.1); c.1945-2A>G (NM_001301031.1).
Identifiers: ClinVar variation 4761783 (VCV004761783.1).
Genomic context (GRCh38, chr15:65,639,593, plus strand): 5'-CCTCGTGTGGTTCCTCCCCTGGCTTGGACAGGGGCCCACTGTGCGGCTCTCCTCTTGCTC[A>G]GCTCCCGTCCTTGCTGACCCGAGGGAGCAGCTCGACCTCTCTGCACAACAGCACCATCCG-3'

ClinVar aggregate classification (germline): Likely pathogenic (1 of 4 stars; one submission).

Submission:

Labcorp Genetics (formerly Invitae), Labcorp
Classification: Likely pathogenic. Last evaluated: 2025-05-27. Review status: criteria provided, single submitter. Criteria: Invitae Variant Classification Sherloc (09022015). Collection method: clinical testing. Allele origin: germline.
Comment: This sequence change affects an acceptor splice site in intron 3 of the SLC24A1 gene. It is expected to disrupt RNA splicing. Variants that disrupt the donor or acceptor splice site typically lead to a loss of protein function (PMID: 16199547), and loss-of-function variants in SLC24A1 are known to be pathogenic (PMID: 20850105, 26822852). This variant is not present in population databases (gnomAD no frequency). This variant has not been reported in the literature in individuals affected with SLC24A1-related conditions. Algorithms developed to predict the effect of sequence changes on RNA splicing suggest that this variant may disrupt the consensus splice site. In summary, the currently available evidence indicates that the variant is pathogenic, but additional data are needed to prove that conclusively. Therefore, this variant has been classified as Likely Pathogenic.

Literature cited by the submitters: PubMed 16199547; PubMed 20850105; PubMed 26822852.